The following is an entry in ClinVar:

ClinVar aggregate classification (germline): Uncertain significance (1 of 4 stars; one submission).

Conditions:
Hereditary cancer-predisposing syndrome. Also called: Hereditary neoplastic syndrome; Neoplastic Syndromes, Hereditary; Tumor predisposition; Hereditary Cancer Syndrome. Identifiers: Orphanet 140162, MedGen C0027672, MeSH D009386, MONDO:0015356.

Submission:

Ambry Genetics
Classification: Uncertain significance for Hereditary cancer-predisposing syndrome. Last evaluated: 2020-03-03. Review status: criteria provided, single submitter. Criteria: Ambry Variant Classification Scheme 2023. Collection method: clinical testing. Allele origin: germline.
Comment: The p.E2660Q variant (also known as c.7978G>C), located in coding exon 53 of the ATM gene, results from a G to C substitution at nucleotide position 7978. The glutamic acid at codon 2660 is replaced by glutamine, an amino acid with highly similar properties. This amino acid position is poorly conserved in available vertebrate species. In addition, this alteration is predicted to be tolerated by in silico analysis. Since supporting evidence is limited at this time, the clinical significance of this alteration remains unclear.

NM_000051.4(ATM):c.7978G>C (p.Glu2660Gln)

Genes: C11orf65 (chromosome 11 open reading frame 65; minus strand), ATM (ATM serine/threonine kinase; plus strand). Cytogenetic location: 11q22.3.
Variant type: single nucleotide variant.
Coding change: c.7978G>C on transcript NM_000051.4 (MANE Select); coding-DNA position 7978, G replaced by C.
Protein change: p.Glu2660Gln; replaces glutamic acid 2660 with glutamine.
Molecular consequence: missense variant. On other transcripts: intron variant (2).
Genome position (GRCh38, 1-based): chr11:108,333,936, G>C. VCF-style: chr11-108333936-G-C. GRCh37 (hg19) VCF-style: chr11-108204663-G-C.
Other names: c.7978G>C, p.Glu2660Gln (NM_001351834.2); c.641-24865C>G (NM_001330368.2); c.*38+1284C>G (NM_001351110.2); short protein forms E2660Q.
Identifiers: ClinVar variation 1761439 (VCV001761439.2), dbSNP rs2136615248, ClinGen allele CA382561752.